The following is an entry in ClinVar:

NM_015338.6(ASXL1):c.1937G>A (p.Gly646Asp)

Gene: ASXL1 (ASXL transcriptional regulator 1; plus strand). Cytogenetic location: 20q11.21.
Variant type: single nucleotide variant.
Coding change: c.1937G>A on transcript NM_015338.6 (MANE Select); coding-DNA position 1937, G replaced by A.
Protein change: p.Gly646Asp; replaces glycine 646 with aspartic acid.
Molecular consequence: missense variant.
Genome position (GRCh38, 1-based): chr20:32,434,649, G>A. VCF-style: chr20-32434649-G-A. GRCh37 (hg19) VCF-style: chr20-31022452-G-A.
Other names: c.1754G>A, p.Gly585Asp (NM_001363734.1); short protein forms G585D, G646D.
Identifiers: ClinVar variation 5030444 (VCV005030444.1).

ClinVar aggregate classification (germline): Uncertain significance (1 of 4 stars; one submission).

Conditions:
Inborn genetic diseases. Identifiers: MedGen C0950123, MeSH D030342.

Submission:

Ambry Genetics
Classification: Uncertain significance for Inborn genetic diseases. Last evaluated: 2026-08-29. Review status: criteria provided, single submitter. Criteria: Ambry Variant Classification Scheme 2023. Collection method: clinical testing. Allele origin: germline.
Comment: The p.G646D variant (also known as c.1937G>A), located in coding exon 13 of the ASXL1 gene, results from a G to A substitution at nucleotide position 1937. The glycine at codon 646 is replaced by aspartic acid, an amino acid with similar properties. This amino acid position is conserved. In addition, the in silico prediction for this alteration is inconclusive. Based on the available evidence, the clinical significance of this variant remains unclear.